The following is an entry in ClinVar:

ClinVar aggregate classification (germline): Likely benign (1 of 4 stars; one submission).

Submission:

Women's Health and Genetics/Laboratory Corporation of America, LabCorp
Classification: Likely benign. Last evaluated: 2026-06-10. Review status: criteria provided, single submitter. Criteria: LabCorp Variant Classification Summary - May 2015. Collection method: clinical testing. Allele origin: germline.
Comment: Variant summary: SCN1A c.2415+18T>C alters a non-conserved nucleotide located at a position not widely known to affect splicing. Consensus agreement among computation tools predict no significant impact on normal splicing. However, these predictions have yet to be confirmed by functional studies. The variant was absent in 251010 control chromosomes. The available data on variant occurrences in the general population are insufficient to allow any conclusion about variant significance. To our knowledge, no occurrence of c.2415+18T>C in individuals affected with SCN1A-related conditions and no experimental evidence demonstrating its impact on protein function have been reported. No submitters have cited clinical-significance assessments for this variant to ClinVar. Based on the evidence outlined above, the variant was classified as likely benign.

NM_001165963.4(SCN1A):c.2415+18T>C

Gene: SCN1A (sodium voltage-gated channel alpha subunit 1; minus strand). Cytogenetic location: 2q24.3.
Variant type: single nucleotide variant.
Coding change: c.2415+18T>C on transcript NM_001165963.4 (MANE Select); 18 bases into the intron after coding-DNA position 2415, T replaced by C.
Molecular consequence: intron variant. On other transcripts: splice donor variant (1).
Genome position (GRCh38, 1-based): chr2:166,041,213, A>G on the plus strand (T>C on the coding strand, the complement: SCN1A is on the minus strand). VCF-style: chr2-166041213-A-G. GRCh37 (hg19) VCF-style: chr2-166897723-A-G.
Other names: c.2382+18T>C (NM_001353949.2, NM_001353950.2, NM_001353951.2 and 2 more transcripts); c.2331+18T>C (NM_001353958.2, NM_001353957.2, NM_001165964.3); c.2415+18T>C (NM_001202435.3, NM_001353948.2); c.2379+18T>C (NM_001353955.2, NM_001353954.2); c.2328+18T>C (NM_001353960.2); c.-28+2T>C (NM_001353961.2).
Identifiers: ClinVar variation 4887359 (VCV004887359.1).